The following is an entry in ClinVar:

ClinVar aggregate classification (germline): Uncertain significance (1 of 4 stars; one submission).

Conditions:
Epilepsy, familial adult myoclonic, 5 (EPEO5). Also called: CORTICAL MYOCLONIC TREMOR WITH EPILEPSY, FAMILIAL, 5. Identifiers: Orphanet 86814, MedGen C3809374, MONDO:0014167, OMIM 615400.

gnomAD v4.1: 10 of 1,614,178 alleles (0.00062%); highest among the groups gnomAD compares: African/African-American, 0.004%; no homozygotes.

Submission:

Labcorp Genetics (formerly Invitae), Labcorp
Classification: Uncertain significance for Epilepsy, familial adult myoclonic, 5. Last evaluated: 2022-10-17. Review status: criteria provided, single submitter. Criteria: Invitae Variant Classification Sherloc (09022015). Collection method: clinical testing. Allele origin: germline.
Comment: This sequence change affects codon 179 of the CNTN2 mRNA. It is a 'silent' change, meaning that it does not change the encoded amino acid sequence of the CNTN2 protein. This variant is present in population databases (rs143379833, gnomAD 0.007%). This variant has not been reported in the literature in individuals affected with CNTN2-related conditions. Algorithms developed to predict the effect of sequence changes on RNA splicing suggest that this variant may create or strengthen a splice site. In summary, the available evidence is currently insufficient to determine the role of this variant in disease. Therefore, it has been classified as a Variant of Uncertain Significance.

NM_005076.5(CNTN2):c.537G>A (p.Thr179=)

Gene: CNTN2 (contactin 2; plus strand). Cytogenetic location: 1q32.1.
Variant type: single nucleotide variant.
Coding change: c.537G>A on transcript NM_005076.5 (MANE Select); coding-DNA position 537, G replaced by A.
Protein change: p.Thr179=; no amino-acid change (threonine 179 retained).
Molecular consequence: synonymous variant. On other transcripts: non-coding transcript variant (1).
Genome position (GRCh38, 1-based): chr1:205,059,133, G>A. VCF-style: chr1-205059133-G-A. GRCh37 (hg19) VCF-style: chr1-205028261-G-A.
Other names: c.537G>A, p.Thr179= (NM_001346083.2).
Identifiers: ClinVar variation 2166565 (VCV002166565.2), dbSNP rs143379833, ClinGen allele CA1351077.